The following is an entry in ClinVar:

NM_000287.4(PEX6):c.2353G>A (p.Val785Met)

Gene: PEX6 (peroxisomal biogenesis factor 6; minus strand). Cytogenetic location: 6p21.1.
Variant type: single nucleotide variant.
Coding change: c.2353G>A on transcript NM_000287.4 (MANE Select); coding-DNA position 2353, G replaced by A.
Protein change: p.Val785Met; replaces valine 785 with methionine.
Molecular consequence: missense variant.
Genome position (GRCh38, 1-based): chr6:42,966,053, C>T on the plus strand (G>A on the coding strand, the complement: PEX6 is on the minus strand). VCF-style: chr6-42966053-C-T. GRCh37 (hg19) VCF-style: chr6-42933791-C-T.
Other names: c.2089G>A, p.Val697Met (NM_001316313.2); short protein forms V785M, V697M.
Identifiers: ClinVar variation 1397557 (VCV001397557.5), dbSNP rs747065131, ClinGen allele CA3811063.
Genomic context (GRCh38, chr6:42,966,053, plus strand): 5'-CCATCGGGGTTTGGGAAGCATGGGACGCCCTGCCCCTCCCTGCTCACTCACCTTCCCGCA[C>T]ATTCTCCTCACTTTGGCCCACATACATGTTAATGAGCTCTGGCCCCTTCACGCTGAGTGA-3'
Protein context (NP_000278.3, residues 775-795): NMYVGQSEEN[Val785Met]REVFARARAA

ClinVar aggregate classification (germline): Uncertain significance (1 of 4 stars; one submission).

Conditions:
Peroxisome biogenesis disorder. Identifiers: Orphanet 79189, MedGen C1832200, MONDO:0019234. Disease mechanism: loss of function.

Allele frequency attached by ClinVar (database versions not stated): gnomAD exomes below 0.00001; ExAC 0.00001; gnomAD 0.00001.
gnomAD v4.1: 4 of 1,614,024 alleles (0.00025%); highest among the groups gnomAD compares: East Asian, 0.0022%; no homozygotes.

Submission:

Labcorp Genetics (formerly Invitae), Labcorp
Classification: Uncertain significance for Peroxisome biogenesis disorder. Last evaluated: 2022-07-26. Review status: criteria provided, single submitter. Criteria: Invitae Variant Classification Sherloc (09022015). Collection method: clinical testing. Allele origin: germline.
Comment: This sequence change replaces valine, which is neutral and non-polar, with methionine, which is neutral and non-polar, at codon 785 of the PEX6 protein (p.Val785Met). This variant is present in population databases (rs747065131, gnomAD 0.0009%). This variant has not been reported in the literature in individuals affected with PEX6-related conditions. ClinVar contains an entry for this variant (Variation ID: 1397557). Algorithms developed to predict the effect of missense changes on protein structure and function are either unavailable or do not agree on the potential impact of this missense change (SIFT: "Deleterious"; PolyPhen-2: "Probably Damaging"; Align-GVGD: "Class C0"). In summary, the available evidence is currently insufficient to determine the role of this variant in disease. Therefore, it has been classified as a Variant of Uncertain Significance.